The following is an entry in ClinVar:

ClinVar aggregate classification (germline): Benign/Likely benign. Review status: criteria provided, multiple submitters, no conflicts (2 of 4 stars). 4 submissions from 4 submitters: Benign (2); Likely benign (2). Last evaluated 2025-08-18.

Allele frequency attached by ClinVar (database versions not stated): 1000 Genomes Project 30x 0.00297; 1000 Genomes Project 0.00319; ESP Exome Variant Server 0.00608; gnomAD exomes 0.00657; TOPMed 0.00663.
gnomAD v4.1: 12,574 of 1,613,678 alleles (0.78%); highest among the groups gnomAD compares: Middle Eastern, 1.1%; 79 homozygotes.

Submissions (4):

Genomic Medicine Center of Excellence, King Faisal Specialist Hospital and Research Centre
Classification: Likely benign. Last evaluated: 2025-08-18. Review status: criteria provided, single submitter. Criteria: ACMG Guidelines, 2015. Collection method: clinical testing. Allele origin: germline.

CeGaT Center for Human Genetics Tuebingen
Classification: Likely benign. Last evaluated: 2025-08-01. Review status: criteria provided, single submitter. Criteria: CeGaT Center For Human Genetics Tuebingen Variant Classification Criteria Version 2. Collection method: clinical testing. Allele origin: germline. Affected: yes. Observed: 3 variant alleles.
Comment: SF3B2: BS2

Labcorp Genetics (formerly Invitae), Labcorp
Classification: Benign. Last evaluated: 2018-05-09. Review status: criteria provided, single submitter. Criteria: Invitae Variant Classification Sherloc (09022015). Collection method: clinical testing. Allele origin: germline.

Breakthrough Genomics
Classification: Benign. Review status: criteria provided, single submitter. Criteria: ACMG Guidelines, 2015. Collection method: not provided. Allele origin: germline. Inheritance: Autosomal dominant inheritance. Affected: yes.

NM_006842.3(SF3B2):c.76G>T (p.Ala26Ser)

Genes: SF3B2 (splicing factor 3b subunit 2; plus strand), LOC130006094 (ATAC-STARR-seq lymphoblastoid active region 5028; plus strand). Cytogenetic location: 11q13.1.
Variant type: single nucleotide variant.
Coding change: c.76G>T on transcript NM_006842.3 (MANE Select); coding-DNA position 76, G replaced by T.
Protein change: p.Ala26Ser; replaces alanine 26 with serine.
Molecular consequence: missense variant.
Genome position (GRCh38, 1-based): chr11:66,052,460, G>T. VCF-style: chr11-66052460-G-T. GRCh37 (hg19) VCF-style: chr11-65819931-G-T.
Other names: short protein forms A26S.
Identifiers: ClinVar variation 770770 (VCV000770770.29), dbSNP rs11554199, ClinGen allele CA6115411.